The following is an entry in ClinVar:

ClinVar aggregate classification (germline): Uncertain significance (1 of 4 stars; one submission).

Conditions:
Methylmalonic acidemia with homocystinuria, type cblX (MAHCX). Also called: INTELLECTUAL DEVELOPMENTAL DISORDER, X-LINKED 3. Identifiers: Orphanet 369962, MedGen C0796208, MONDO:0010657, OMIM 309541.

Submission:

Labcorp Genetics (formerly Invitae), Labcorp
Classification: Uncertain significance for Methylmalonic acidemia with homocystinuria, type cblX. Last evaluated: 2023-05-15. Review status: criteria provided, single submitter. Criteria: Invitae Variant Classification Sherloc (09022015). Collection method: clinical testing. Allele origin: germline.
Comment: In summary, the available evidence is currently insufficient to determine the role of this variant in disease. Therefore, it has been classified as a Variant of Uncertain Significance. An algorithm developed to predict the effect of missense changes on protein structure and function (PolyPhen-2) suggests that this variant is likely to be disruptive. ClinVar contains an entry for this variant (Variation ID: 1475604). This variant has not been reported in the literature in individuals affected with HCFC1-related conditions. This variant is not present in population databases (gnomAD no frequency). This sequence change replaces threonine, which is neutral and polar, with methionine, which is neutral and non-polar, at codon 1627 of the HCFC1 protein (p.Thr1627Met).

NM_005334.3(HCFC1):c.4880C>T (p.Thr1627Met)

Gene: HCFC1 (host cell factor C1; minus strand). Cytogenetic location: Xq28.
Variant type: single nucleotide variant.
Coding change: c.4880C>T on transcript NM_005334.3 (MANE Select); coding-DNA position 4880, C replaced by T.
Protein change: p.Thr1627Met; replaces threonine 1627 with methionine.
Molecular consequence: missense variant.
Genome position (GRCh38, 1-based): chrX:153,952,576, G>A on the plus strand (C>T on the coding strand, the complement: HCFC1 is on the minus strand). VCF-style: chrX-153952576-G-A. GRCh37 (hg19) VCF-style: chrX-153218027-G-A.
Other names: short protein forms T1627M.
Identifiers: ClinVar variation 1475604 (VCV001475604.8), dbSNP rs2148563099, ClinGen allele CA415109420.